The following is an entry in ClinVar:

ClinVar aggregate classification (germline): Uncertain significance (1 of 4 stars; one submission).

gnomAD v4.1: 8 of 1,613,688 alleles (0.0005%); highest among the groups gnomAD compares: Admixed American, 0.0017%; no homozygotes.

Submission:

GeneDx
Classification: Uncertain significance. Last evaluated: 2024-07-05. Review status: criteria provided, single submitter. Criteria: GeneDx Variant Classification Process June 2021. Collection method: clinical testing. Allele origin: germline. Affected: yes.
Comment: Not observed at significant frequency in large population cohorts (gnomAD); Missense variant in a gene in which most reported pathogenic variants are truncating/loss of function; Has not been previously published as pathogenic or benign to our knowledge

NM_001267550.2(TTN):c.24577A>G (p.Thr8193Ala)

Gene: TTN (titin; minus strand). Cytogenetic location: 2q31.2.
Variant type: single nucleotide variant.
Coding change: c.24577A>G on transcript NM_001267550.2 (MANE Select); coding-DNA position 24577, A replaced by G.
Protein change: p.Thr8193Ala; replaces threonine 8193 with alanine.
Molecular consequence: missense variant. On other transcripts: intron variant (3).
Genome position (GRCh38, 1-based): chr2:178,718,529, T>C on the plus strand (A>G on the coding strand, the complement: TTN is on the minus strand). VCF-style: chr2-178718529-T-C. GRCh37 (hg19) VCF-style: chr2-179583256-T-C.
Other names: c.23626A>G, p.Thr7876Ala (NM_001256850.1); c.20845A>G, p.Thr6949Ala (NM_133378.4); c.13282+19553A>G (NM_003319.4); c.13858+19553A>G (NM_133437.4); c.13657+19553A>G (NM_133432.3); short protein forms T6949A, T7876A, T8193A.
Identifiers: ClinVar variation 3393713 (VCV003393713.1).